The following is an entry in ClinVar:

ClinVar aggregate classification (germline): Pathogenic (1 of 4 stars; one submission).

Conditions:
Neurofibromatosis, type 1 (NF1). Also called: Peripheral type neurofibromatosis; VON RECKLINGHAUSEN DISEASE; Neurofibromatosis, type I; NEUROFIBROMATOSIS, TYPE I, SOMATIC. Identifiers: Orphanet 636, MedGen C0027831, MONDO:0018975, OMIM 162200. Disease mechanism: loss of function.

Submission:

Labcorp Genetics (formerly Invitae), Labcorp
Classification: Pathogenic for Neurofibromatosis, type 1. Last evaluated: 2024-04-15. Review status: criteria provided, single submitter. Criteria: Invitae Variant Classification Sherloc (09022015). Collection method: clinical testing. Allele origin: germline.
Comment: This sequence change creates a premature translational stop signal (p.Gln2665Argfs*53) in the NF1 gene. It is expected to result in an absent or disrupted protein product. Loss-of-function variants in NF1 are known to be pathogenic (PMID: 10712197, 23913538). This variant is not present in population databases (gnomAD no frequency). This variant has not been reported in the literature in individuals affected with NF1-related conditions. For these reasons, this variant has been classified as Pathogenic.

Literature cited by the submitters: PubMed 10712197; PubMed 23913538.

NM_001042492.3(NF1):c.8056del (p.Gln2686fs)

Gene: NF1 (neurofibromin 1; plus strand). Cytogenetic location: 17q11.2.
Variant type: Deletion.
Coding change: c.8056del on transcript NM_001042492.3 (MANE Select); coding-DNA position 8056, one base deleted (C; older notation c.8056delC).
Protein change: p.Gln2686fs; shifts the reading frame from glutamine 2686.
Molecular consequence: frameshift variant.
Genome position (GRCh38, 1-based): chr17:31,358,565, C deleted. VCF-style (leftmost placement, unchanged base first): chr17-31358564-GC-G. GRCh37 (hg19) VCF-style: chr17-29685582-GC-G.
Other names: c.7993delC, p.Gln2665Argfs (NM_000267.4); short protein forms Q2665fs, Q2686fs.
Identifiers: ClinVar variation 3649900 (VCV003649900.2).